The following is an entry in ClinVar:

ClinVar aggregate classification (germline): Uncertain significance (1 of 4 stars; one submission).

Conditions:
Juvenile polyposis syndrome (JPS). Identifiers: Orphanet 2929, MedGen C0345893, MONDO:0017380, OMIM 174900.

Submission:

Labcorp Genetics (formerly Invitae), Labcorp
Classification: Uncertain significance for Juvenile polyposis syndrome. Last evaluated: 2018-08-12. Review status: criteria provided, single submitter. Criteria: Invitae Variant Classification Sherloc (09022015). Collection method: clinical testing. Allele origin: germline.
Comment: In summary, the available evidence is currently insufficient to determine the role of this variant in disease. Therefore, it has been classified as a Variant of Uncertain Significance. Algorithms developed to predict the effect of sequence changes on RNA splicing suggest that this variant may create or strengthen a splice site, but this prediction has not been confirmed by published transcriptional studies. Algorithms developed to predict the effect of missense changes on protein structure and function (SIFT, PolyPhen-2, Align-GVGD) all suggest that this variant is likely to be tolerated, but these predictions have not been confirmed by published functional studies and their clinical significance is uncertain. This variant has not been reported in the literature in individuals with BMPR1A-related disease. This variant is not present in population databases (ExAC no frequency). This sequence change replaces glycine with serine at codon 149 of the BMPR1A protein (p.Gly149Ser). The glycine residue is moderately conserved and there is a small physicochemical difference between glycine and serine.

NM_004329.3(BMPR1A):c.445G>A (p.Gly149Ser)

Gene: BMPR1A (bone morphogenetic protein receptor type 1A; plus strand). Cytogenetic location: 10q23.2.
Variant type: single nucleotide variant.
Coding change: c.445G>A on transcript NM_004329.3 (MANE Select); coding-DNA position 445, G replaced by A.
Protein change: p.Gly149Ser; replaces glycine 149 with serine.
Molecular consequence: missense variant.
Genome position (GRCh38, 1-based): chr10:86,900,041, G>A. VCF-style: chr10-86900041-G-A. GRCh37 (hg19) VCF-style: chr10-88659798-G-A.
Other names: short protein forms G149S.
Identifiers: ClinVar variation 655531 (VCV000655531.10), dbSNP rs1589768202, ClinGen allele CA377450151.